The following is an entry in ClinVar:

NM_145068.4(TRPV3):c.1666G>A (p.Ala556Thr)

Gene: TRPV3 (transient receptor potential cation channel subfamily V member 3; minus strand). Cytogenetic location: 17p13.2.
Variant type: single nucleotide variant.
Coding change: c.1666G>A on transcript NM_145068.4 (MANE Select); coding-DNA position 1666, G replaced by A.
Protein change: p.Ala556Thr; replaces alanine 556 with threonine.
Molecular consequence: missense variant.
Genome position (GRCh38, 1-based): chr17:3,524,275, C>T on the plus strand (G>A on the coding strand, the complement: TRPV3 is on the minus strand). VCF-style: chr17-3524275-C-T. GRCh37 (hg19) VCF-style: chr17-3427569-C-T.
Other names: c.1666G>A, p.Ala556Thr (NM_001258205.2); short protein forms A556T.
Identifiers: ClinVar variation 3613004 (VCV003613004.2).
Genomic context (GRCh38, chr17:3,524,275, plus strand): 5'-TGTACATGCCCATGGACTGGAAACCCCGCGTATAGTAGAGCATGTTCGCCCAGCCCAGGG[C>T]CATGGCCAGCACGAGGCAGGCGAGGTACTCTTTGTAGGCAAACAAGTACAAGAAGACAGA-3'
Protein context (NP_659505.1, residues 546-566): EYLACLVLAM[Ala556Thr]LGWANMLYYT

ClinVar aggregate classification (germline): Uncertain significance (1 of 4 stars; one submission).

gnomAD v4.1: 52 of 1,614,108 alleles (0.0032%); highest among the groups gnomAD compares: South Asian, 0.02%; no homozygotes.

Submission:

Labcorp Genetics (formerly Invitae), Labcorp
Classification: Uncertain significance. Last evaluated: 2024-05-16. Review status: criteria provided, single submitter. Criteria: Invitae Variant Classification Sherloc (09022015). Collection method: clinical testing. Allele origin: germline.
Comment: This sequence change replaces alanine, which is neutral and non-polar, with threonine, which is neutral and polar, at codon 556 of the TRPV3 protein (p.Ala556Thr). This variant is present in population databases (rs768651179, gnomAD 0.02%). This variant has not been reported in the literature in individuals affected with TRPV3-related conditions. An algorithm developed to predict the effect of missense changes on protein structure and function (PolyPhen-2) suggests that this variant is likely to be disruptive. In summary, the available evidence is currently insufficient to determine the role of this variant in disease. Therefore, it has been classified as a Variant of Uncertain Significance.